The following is an entry in ClinVar:

NM_001042492.3(NF1):c.4682G>T (p.Ser1561Ile)

Gene: NF1 (neurofibromin 1; plus strand). Cytogenetic location: 17q11.2.
Variant type: single nucleotide variant.
Coding change: c.4682G>T on transcript NM_001042492.3 (MANE Select); coding-DNA position 4682, G replaced by T.
Protein change: p.Ser1561Ile; replaces serine 1561 with isoleucine.
Molecular consequence: missense variant.
Genome position (GRCh38, 1-based): chr17:31,261,815, G>T. VCF-style: chr17-31261815-G-T. GRCh37 (hg19) VCF-style: chr17-29588833-G-T.
Other names: c.4619G>T, p.Ser1540Ile (NM_000267.4); short protein forms S1540I, S1561I.
Identifiers: ClinVar variation 1898363 (VCV001898363.5), dbSNP rs751414513, ClinGen allele CA399000505.
Genomic context (GRCh38, chr17:31,261,815, plus strand): 5'-CACTTCTTGCATACCTGGGTCCTCCAGAGCACAAACCTGTGGCAGATACACACTGGTCCA[G>T]CCTTAACCTTACCAGTTCAAAGTTTGAGGAATTTATGACTAGGTAAAGTACAACCTTGAA-3'
Protein context (NP_001035957.1, residues 1551-1571): HKPVADTHWS[Ser1561Ile]LNLTSSKFEE

ClinVar aggregate classification (germline): Uncertain significance (1 of 4 stars; one submission).

Conditions:
Neurofibromatosis, type 1 (NF1). Also called: Peripheral type neurofibromatosis; Neurofibromatosis, type I; VON RECKLINGHAUSEN DISEASE; NEUROFIBROMATOSIS, TYPE I, SOMATIC. Identifiers: Orphanet 636, MedGen C0027831, MONDO:0018975, OMIM 162200. Disease mechanism: loss of function.

Submission:

Labcorp Genetics (formerly Invitae), Labcorp
Classification: Uncertain significance for Neurofibromatosis, type 1. Last evaluated: 2022-03-16. Review status: criteria provided, single submitter. Criteria: Invitae Variant Classification Sherloc (09022015). Collection method: clinical testing. Allele origin: germline.
Comment: This sequence change replaces serine, which is neutral and polar, with isoleucine, which is neutral and non-polar, at codon 1540 of the NF1 protein (p.Ser1540Ile). This variant is not present in population databases (gnomAD no frequency). This variant has not been reported in the literature in individuals affected with NF1-related conditions. Advanced modeling of protein sequence and biophysical properties (such as structural, functional, and spatial information, amino acid conservation, physicochemical variation, residue mobility, and thermodynamic stability) performed at Invitae indicates that this missense variant is expected to disrupt NF1 protein function. In summary, the available evidence is currently insufficient to determine the role of this variant in disease. Therefore, it has been classified as a Variant of Uncertain Significance.